The following is an entry in ClinVar:

ClinVar aggregate classification (germline): Uncertain significance. Review status: criteria provided, multiple submitters, no conflicts (2 of 4 stars). 2 submissions from 2 submitters: Uncertain significance (2). Last evaluated 2023-10-13.

Conditions:
Vici syndrome (VICIS). Identifiers: Orphanet 1493, MedGen C1855772, MONDO:0009452, OMIM 242840.
Inborn genetic diseases. Identifiers: MedGen C0950123, MeSH D030342.

Allele frequency attached by ClinVar (database versions not stated): TOPMed 0.00001; ExAC 0.00002; gnomAD 0.00004 and 0.00005; gnomAD exomes 0.00004; 1000 Genomes Project 30x 0.00031.
gnomAD v4.1: 78 of 1,614,146 alleles (0.0048%); highest among the groups gnomAD compares: Non-Finnish European, 0.0064%; no homozygotes.

Submissions (2):

Ambry Genetics
Classification: Uncertain significance for Inborn genetic diseases. Last evaluated: 2023-10-13. Review status: criteria provided, single submitter. Criteria: Ambry Variant Classification Scheme 2023. Collection method: clinical testing. Allele origin: germline.

Labcorp Genetics (formerly Invitae), Labcorp
Classification: Uncertain significance for Vici syndrome. Last evaluated: 2022-05-07. Review status: criteria provided, single submitter. Criteria: Invitae Variant Classification Sherloc (09022015). Collection method: clinical testing. Allele origin: germline.
Comment: This sequence change replaces leucine, which is neutral and non-polar, with phenylalanine, which is neutral and non-polar, at codon 726 of the EPG5 protein (p.Leu726Phe). This variant is present in population databases (rs779316506, gnomAD 0.007%). This variant has not been reported in the literature in individuals affected with EPG5-related conditions. ClinVar contains an entry for this variant (Variation ID: 843292). Algorithms developed to predict the effect of missense changes on protein structure and function are either unavailable or do not agree on the potential impact of this missense change (SIFT: "Tolerated"; PolyPhen-2: "Probably Damaging"; Align-GVGD: "Class C0"). In summary, the available evidence is currently insufficient to determine the role of this variant in disease. Therefore, it has been classified as a Variant of Uncertain Significance.

NM_020964.3(EPG5):c.2176C>T (p.Leu726Phe)

Gene: EPG5 (ectopic P-granules 5 autophagy tethering factor; minus strand). Cytogenetic location: 18q21.1.
Variant type: single nucleotide variant.
Coding change: c.2176C>T on transcript NM_020964.3 (MANE Select); coding-DNA position 2176, C replaced by T.
Protein change: p.Leu726Phe; replaces leucine 726 with phenylalanine.
Molecular consequence: missense variant.
Genome position (GRCh38, 1-based): chr18:45,934,890, G>A on the plus strand (C>T on the coding strand, the complement: EPG5 is on the minus strand). VCF-style: chr18-45934890-G-A. GRCh37 (hg19) VCF-style: chr18-43514856-G-A.
Other names: short protein forms L726F.
Identifiers: ClinVar variation 843292 (VCV000843292.7), dbSNP rs779316506, ClinGen allele CA8949499.
Genomic context (GRCh38, chr18:45,934,890, plus strand): 5'-GGGCGGGCTGCAGGGAGGAGGAGAGCTGCTGCAGGTTCTCGCTCTCCACCTGGTGCATGA[G>A]GTAGAAGAGCTTCCACAGCATTTGCACAGACAGAGTCCCAAAGGGCATCTCGGACATAAA-3'
Protein context (NP_066015.2, residues 716-736): SVQMLWKLFY[Leu726Phe]MHQVESENLQ